The following is an entry in ClinVar:

NM_025000.4(DCAF17):c.639C>T (p.Asn213=)

Gene: DCAF17 (DDB1 and CUL4 associated factor 17; plus strand). Cytogenetic location: 2q31.1.
Variant type: single nucleotide variant.
Coding change: c.639C>T on transcript NM_025000.4 (MANE Select); coding-DNA position 639, C replaced by T.
Protein change: p.Asn213=; no amino-acid change (asparagine 213 retained).
Molecular consequence: synonymous variant. On other transcripts: non-coding transcript variant (1).
Genome position (GRCh38, 1-based): chr2:171,457,982, C>T. VCF-style: chr2-171457982-C-T. GRCh37 (hg19) VCF-style: chr2-172314492-C-T.
Other names: c.639C>T, p.Asn213= (NM_001164821.2).
Identifiers: ClinVar variation 1581663 (VCV001581663.32), dbSNP rs755304811, ClinGen allele CA1964752.

ClinVar aggregate classification (germline): Likely benign. Review status: criteria provided, multiple submitters, no conflicts (2 of 4 stars). 2 submissions from 2 submitters: Likely benign (2). Last evaluated 2023-07-01.

Conditions:
Woodhouse-Sakati syndrome. Also called: EXTRAPYRAMIDAL DISORDER, PROGRESSIVE, WITH PRIMARY HYPOGONADISM, MENTAL RETARDATION, AND ALOPECIA; Hypogonadism, Alopecia, Diabetes Mellitus, Mental Retardation, and Extrapyramidal Syndrome; Hypogonadism, diabetes mellitus, alopecia, mental retardation and electrocardiographic abnormalities. Identifiers: Orphanet 3464, MedGen C0342286, MONDO:0009419, OMIM 241080.

Allele frequency attached by ClinVar (database versions not stated): gnomAD exomes below 0.00001; ExAC 0.00001.
gnomAD v4.1: 5 of 1,613,952 alleles (0.00031%); highest among the groups gnomAD compares: South Asian, 0.0011%; no homozygotes.

Submissions (2):

CeGaT Center for Human Genetics Tuebingen
Classification: Likely benign. Last evaluated: 2023-07-01. Review status: criteria provided, single submitter. Criteria: CeGaT Center For Human Genetics Tuebingen Variant Classification Criteria Version 2. Collection method: clinical testing. Allele origin: germline. Affected: yes. Observed: 1 variant allele.
Comment: DCAF17: BP4, BP7

Labcorp Genetics (formerly Invitae), Labcorp
Classification: Likely benign for Woodhouse-Sakati syndrome. Last evaluated: 2021-12-03. Review status: criteria provided, single submitter. Criteria: Invitae Variant Classification Sherloc (09022015). Collection method: clinical testing. Allele origin: germline.